The following is an entry in ClinVar:

NM_001378615.1(CC2D2A):c.3594+5G>A

Genes: CC2D2A (coiled-coil and C2 domain containing 2A; plus strand), FBXL5 (F-box and leucine rich repeat protein 5; minus strand). Cytogenetic location: 4p15.32.
Variant type: single nucleotide variant.
Coding change: c.3594+5G>A on transcript NM_001378615.1 (MANE Select); 5 bases into the intron after coding-DNA position 3594, G replaced by A.
Molecular consequence: intron variant.
Genome position (GRCh38, 1-based): chr4:15,570,501, G>A. VCF-style: chr4-15570501-G-A. GRCh37 (hg19) VCF-style: chr4-15572124-G-A.
Other names: c.3594+5G>A (NM_001080522.2); c.3447+5G>A (NM_001378617.1).
Identifiers: ClinVar variation 217620 (VCV000217620.9), dbSNP rs863225181, ClinGen allele CA279555.

ClinVar aggregate classification (germline): Conflicting classifications of pathogenicity. Review status: criteria provided, conflicting classifications (1 of 4 stars). 4 submissions from 4 submitters: Likely pathogenic (2); Uncertain significance (2). Last evaluated 2026-02-15.

Conditions:
Joubert syndrome. Also called: Familial aplasia of the vermis; JOUBERT-BOLTSHAUSER SYNDROME. Identifiers: Orphanet 475, MedGen C5979921, MONDO:0018772.
Meckel-Gruber syndrome. Also called: Dysencephalia splachnocystica; DYSENCEPHALIA SPLANCHNOCYSTICA; GRUBER SYNDROME. Identifiers: Orphanet 564, MedGen C0265215, MONDO:0018921.
Joubert syndrome 9 (JBTS9). Identifiers: Orphanet 2318, MedGen C2676788, MONDO:0012849, OMIM 612285.

Allele frequency attached by ClinVar (database versions not stated): gnomAD 0.00001; gnomAD exomes 0.00001; TOPMed 0.00001.
gnomAD v4.1: 18 of 1,575,078 alleles (0.0011%); highest among the groups gnomAD compares: Non-Finnish European, 0.0015%; no homozygotes.

Submissions (4):

GeneDx
Classification: Likely pathogenic. Last evaluated: 2026-02-15. Review status: criteria provided, single submitter. Criteria: GeneDx Variant Classification Process June 2021. Collection method: clinical testing. Allele origin: germline.
Comment: Reported with a second CC2D2A variant in a patient with Joubert syndrome; it is unknown if the variants were confirmed to be located on opposite alleles (in trans) (PMID: 26092869); Not observed at significant frequency in large population cohorts (gnomAD); Intronic +5 splice site variant in a gene for which loss of function is a known mechanism of disease, and both splice predictors and evolutionary conservation support a deleterious effect, although in the absence of functional evidence the actual effect of this sequence change is unknown.; This variant is associated with the following publications: (PMID: 26092869)

Labcorp Genetics (formerly Invitae), Labcorp
Classification: Uncertain significance for Joubert syndrome; Meckel-Gruber syndrome. Last evaluated: 2022-10-17. Review status: criteria provided, single submitter. Criteria: Invitae Variant Classification Sherloc (09022015). Collection method: clinical testing. Allele origin: germline.
Comment: This sequence change falls in intron 29 of the CC2D2A gene. It does not directly change the encoded amino acid sequence of the CC2D2A protein. It affects a nucleotide within the consensus splice site. This variant is not present in population databases (gnomAD no frequency). This variant has been observed in individual(s) with Joubert syndrome (PMID: 26092869). ClinVar contains an entry for this variant (Variation ID: 217620). Variants that disrupt the consensus splice site are a relatively common cause of aberrant splicing (PMID: 17576681, 9536098). Algorithms developed to predict the effect of sequence changes on RNA splicing suggest that this variant may disrupt the consensus splice site. In summary, the available evidence is currently insufficient to determine the role of this variant in disease. Therefore, it has been classified as a Variant of Uncertain Significance.

Eurofins Ntd Llc (ga)
Classification: Uncertain significance. Last evaluated: 2015-11-17. Review status: criteria provided, single submitter. Criteria: EGL Classification Definitions 2015. Collection method: clinical testing. Allele origin: germline. Observed: 2 variant alleles, 2 heterozygotes.

UW Hindbrain Malformation Research Program, University of Washington
Classification: Likely pathogenic for Joubert syndrome 9. Last evaluated: 2015-02-23. Review status: criteria provided, single submitter. Criteria: Bachmann-Gagescu et al. (J Med Genet. 2015). Collection method: research. Allele origin: unknown. Affected: yes.

Literature cited by the submitters: PubMed 26092869 (cited by Labcorp Genetics (formerly Invitae), Labcorp); PubMed 17576681 (cited by Labcorp Genetics (formerly Invitae), Labcorp); PubMed 9536098 (cited by Labcorp Genetics (formerly Invitae), Labcorp).